The following is an entry in ClinVar:

NM_152309.3(PIK3AP1):c.1026T>G (p.Phe342Leu)

Gene: PIK3AP1 (phosphoinositide-3-kinase adaptor protein 1; minus strand). Cytogenetic location: 10q24.1.
Variant type: single nucleotide variant.
Coding change: c.1026T>G on transcript NM_152309.3 (MANE Select); coding-DNA position 1026, T replaced by G.
Protein change: p.Phe342Leu; replaces phenylalanine 342 with leucine.
Molecular consequence: missense variant.
Genome position (GRCh38, 1-based): chr10:96,648,818, A>C on the plus strand (T>G on the coding strand, the complement: PIK3AP1 is on the minus strand). VCF-style: chr10-96648818-A-C. GRCh37 (hg19) VCF-style: chr10-98408575-A-C.
Other names: short protein forms F342L.
Identifiers: ClinVar variation 1355973 (VCV001355973.8), dbSNP rs2134231522, ClinGen allele CA377745577.
Genomic context (GRCh38, chr10:96,648,818, plus strand): 5'-CAGGGCTCCTGGGCAGGTGAGCAACAAGGCAGTGAGGTTCTTCAGTCCATACTTCGCAGC[A>C]AAATGCAACAGGGTGGGCAGCTCTTCATCCCTCTGATCTGAAAATTATCAAGGAAAACTT-3'
Protein context (NP_689522.2, residues 332-352): RDEELPTLLH[Phe342Leu]AAKYGLKNLT

ClinVar aggregate classification (germline): Uncertain significance (1 of 4 stars; one submission).

Conditions:
Infantile spasms. Also called: Infantile spasm. Identifiers: MedGen C3887898, HP:0012469.

Submission:

Labcorp Genetics (formerly Invitae), Labcorp
Classification: Uncertain significance for Infantile spasms. Last evaluated: 2021-04-09. Review status: criteria provided, single submitter. Criteria: Invitae Variant Classification Sherloc (09022015). Collection method: clinical testing. Allele origin: germline.
Comment: In summary, the available evidence is currently insufficient to determine the role of this variant in disease. Therefore, it has been classified as a Variant of Uncertain Significance. Algorithms developed to predict the effect of missense changes on protein structure and function are either unavailable or do not agree on the potential impact of this missense change (SIFT: "Deleterious"; PolyPhen-2: "Probably Damaging"; Align-GVGD: "Class C15"). This variant has not been reported in the literature in individuals with PIK3AP1-related conditions. This variant is not present in population databases (ExAC no frequency). This sequence change replaces phenylalanine with leucine at codon 342 of the PIK3AP1 protein (p.Phe342Leu). The phenylalanine residue is highly conserved and there is a small physicochemical difference between phenylalanine and leucine.